The following is an entry in ClinVar:

ClinVar aggregate classification (germline): Uncertain significance. Review status: criteria provided, multiple submitters, no conflicts (2 of 4 stars). 3 submissions from 3 submitters: Uncertain significance (3). Last evaluated 2024-06-25.

Conditions:
Inborn genetic diseases. Identifiers: MedGen C0950123, MeSH D030342.

Allele frequency attached by ClinVar (database versions not stated): ExAC 0.00001; gnomAD 0.00001 and 0.00002; gnomAD exomes 0.00001; TOPMed 0.00001; ESP Exome Variant Server 0.00008.
gnomAD v4.1: 43 of 1,614,060 alleles (0.0027%); highest among the groups gnomAD compares: African/African-American, 0.004%; no homozygotes.

Submissions (3):

Blueprint Genetics
Classification: Uncertain significance. Last evaluated: 2024-06-25. Review status: criteria provided, single submitter. Criteria: ACMG Guidelines, 2015. Collection method: clinical testing. Allele origin: germline.

Ambry Genetics
Classification: Uncertain significance for Inborn genetic diseases. Last evaluated: 2023-10-13. Review status: criteria provided, single submitter. Criteria: Ambry Variant Classification Scheme 2023. Collection method: clinical testing. Allele origin: germline.

Labcorp Genetics (formerly Invitae), Labcorp
Classification: Uncertain significance. Last evaluated: 2021-12-20. Review status: criteria provided, single submitter. Criteria: Invitae Variant Classification Sherloc (09022015). Collection method: clinical testing. Allele origin: germline.
Comment: This sequence change replaces arginine, which is basic and polar, with histidine, which is basic and polar, at codon 42 of the RDH5 protein (p.Arg42His). This variant is present in population databases (rs369746580, gnomAD 0.003%). In summary, the available evidence is currently insufficient to determine the role of this variant in disease. Therefore, it has been classified as a Variant of Uncertain Significance. Algorithms developed to predict the effect of missense changes on protein structure and function are either unavailable or do not agree on the potential impact of this missense change (SIFT: "Deleterious"; PolyPhen-2: "Benign"; Align-GVGD: "Class C0"). ClinVar contains an entry for this variant (Variation ID: 956095). This variant has not been reported in the literature in individuals affected with RDH5-related conditions.

NM_002905.5(RDH5):c.125G>A (p.Arg42His)

Genes: BLOC1S1-RDH5 (BLOC1S1-RDH5 readthrough; plus strand), RDH5 (retinol dehydrogenase 5; plus strand). Cytogenetic location: 12q13.2.
Variant type: single nucleotide variant.
Coding change: c.125G>A on transcript NM_002905.5 (MANE Select); coding-DNA position 125, G replaced by A.
Protein change: p.Arg42His; replaces arginine 42 with histidine.
Molecular consequence: missense variant.
Genome position (GRCh38, 1-based): chr12:55,721,309, G>A. VCF-style: chr12-55721309-G-A. GRCh37 (hg19) VCF-style: chr12-56115093-G-A.
Other names: c.125G>A, p.Arg42His (NM_001199771.3); short protein forms R42H.
Identifiers: ClinVar variation 956095 (VCV000956095.11), dbSNP rs369746580, ClinGen allele CA6616750.